The following is an entry in ClinVar:

ClinVar aggregate classification (germline): Pathogenic (1 of 4 stars; one submission).

Conditions:
Duchenne muscular dystrophy (DMD). Also called: Duchenne Muscular Dystrophy (DMD); MUSCULAR DYSTROPHY, PSEUDOHYPERTROPHIC PROGRESSIVE, DUCHENNE TYPE. Identifiers: Orphanet 98896, MedGen C0013264, MONDO:0010679, OMIM 310200.

Submission:

Labcorp Genetics (formerly Invitae), Labcorp
Classification: Pathogenic for Duchenne muscular dystrophy. Last evaluated: 2023-07-10. Review status: criteria provided, single submitter. Criteria: Invitae Variant Classification Sherloc (09022015). Collection method: clinical testing. Allele origin: germline.
Comment: This variant results in a copy number gain of the genomic region encompassing exon(s) 44-55 of the DMD gene. While the exact position of this variant cannot be determined from the data, sub-genic copy number gains are generally in tandem (PMID: 25640679). This variant is predicted to be out-of-frame, and may result in an absent or disrupted protein product. Loss-of-function variants in DMD are known to be pathogenic (PMID: 16770791, 25007885). A similar copy number variant has been observed in individuals with Becker or Duchenne muscular dystrophy (PMID: 16917894). For these reasons, this variant has been classified as Pathogenic.

Literature cited by the submitters: PubMed 25640679; PubMed 16770791; PubMed 25007885; PubMed 16917894.

NC_000023.11:g.(?_31609621)_(32217073_?)dup

Gene: DMD (dystrophin; minus strand). Cytogenetic location: Xp21.1.
Variant type: Duplication.
Identifiers: ClinVar variation 830664 (VCV000830664.8).